The following is an entry in ClinVar:

ClinVar aggregate classification (germline): Benign (1 of 4 stars; one submission).

Allele frequency attached by ClinVar (database versions not stated): 1000 Genomes Project 30x 0.20222; 1000 Genomes Project 0.21026; TOPMed 0.24010; gnomAD 0.27801 and 0.27914.
gnomAD v4.1: 42,439 of 152,152 alleles (28%); highest among the groups gnomAD compares: Non-Finnish European, 39%; 7,874 homozygotes.

Submission:

GeneDx
Classification: Benign. Last evaluated: 2018-06-14. Review status: criteria provided, single submitter. Criteria: GeneDx Variant Classification (06012015). Collection method: clinical testing. Allele origin: germline. Affected: yes.
Comment: This variant is considered likely benign or benign based on one or more of the following criteria: it is a conservative change, it occurs at a poorly conserved position in the protein, it is predicted to be benign by multiple in silico algorithms, and/or has population frequency not consistent with disease.

NM_001005373.4(LRSAM1):c.406+218G>A

Gene: LRSAM1 (leucine rich repeat and sterile alpha motif containing 1; plus strand). Cytogenetic location: 9q33.3.
Variant type: single nucleotide variant.
Coding change: c.406+218G>A on transcript NM_001005373.4 (MANE Select); 218 bases into the intron after coding-DNA position 406, G replaced by A.
Molecular consequence: intron variant.
Genome position (GRCh38, 1-based): chr9:127,461,475, G>A. VCF-style: chr9-127461475-G-A. GRCh37 (hg19) VCF-style: chr9-130223754-G-A.
Other names: c.406+218G>A (NM_138361.5, NM_001384142.1, NM_001384143.1 and 2 more transcripts); c.-379+218G>A (NM_001384144.1).
Identifiers: ClinVar variation 683123 (VCV000683123.1), dbSNP rs2254541, ClinGen allele CA13000676.
Genomic context (GRCh38, chr9:127,461,475, plus strand): 5'-TTCATGGTAACCAGAGACAGGCTGTCTGGAGGGTTCCTGTGGCTCCTGAGAGCCAGGGCC[G>A]TATGGCCGTATGGGGAGGAGGGCAGCTGGGCCCCGAGCCTCAGTCACTCATATTTATAAT-3'